The following is an entry in ClinVar:

NM_000455.5(STK11):c.300A>C (p.Gln100His)

Gene: STK11 (serine/threonine kinase 11; plus strand). Cytogenetic location: 19p13.3.
Variant type: single nucleotide variant.
Coding change: c.300A>C on transcript NM_000455.5 (MANE Select); coding-DNA position 300, A replaced by C.
Protein change: p.Gln100His; replaces glutamine 100 with histidine.
Molecular consequence: missense variant.
Genome position (GRCh38, 1-based): chr19:1,218,426, A>C. VCF-style: chr19-1218426-A-C. GRCh37 (hg19) VCF-style: chr19-1218425-A-C.
Other names: short protein forms Q100H.
Identifiers: ClinVar variation 565978 (VCV000565978.11), dbSNP rs765890997, ClinGen allele CA402947648.
Genomic context (GRCh38, chr19:1,218,426, plus strand): 5'-CATCATCCTGACGTTGGGTCGGCTGATACACCCCTGTCCTCTCTGTCCCAGGGAAATTCA[A>C]CTACTGAGGAGGTTACGGCACAAAAATGTCATCCAGCTGGTGGATGTGTTATACAACGAA-3'
Protein context (NP_000446.1, residues 90-110): NGEANVKKEI[Gln100His]LLRRLRHKNV

ClinVar aggregate classification (germline): Uncertain significance. Review status: criteria provided, multiple submitters, no conflicts (2 of 4 stars). 2 submissions from 2 submitters: Uncertain significance (2). Last evaluated 2025-05-19.

Conditions:
Hereditary cancer-predisposing syndrome. Also called: Neoplastic Syndromes, Hereditary; Tumor predisposition; Hereditary Cancer Syndrome; Hereditary neoplastic syndrome. Identifiers: Orphanet 140162, MedGen C0027672, MeSH D009386, MONDO:0015356.
Peutz-Jeghers syndrome (PJS). Also called: Peutz-Jeghers polyposis; Periorificial lentiginosis syndrome; POLYPOSIS, HAMARTOMATOUS INTESTINAL; POLYPS-AND-SPOTS SYNDROME. Identifiers: Orphanet 2869, MedGen C0031269, MeSH D010580, MONDO:0008280, OMIM 175200.

Submissions (2):

Labcorp Genetics (formerly Invitae), Labcorp
Classification: Uncertain significance for Peutz-Jeghers syndrome. Last evaluated: 2025-05-19. Review status: criteria provided, single submitter. Criteria: Invitae Variant Classification Sherloc (09022015). Collection method: clinical testing. Allele origin: germline.
Comment: This sequence change replaces glutamine, which is neutral and polar, with histidine, which is basic and polar, at codon 100 of the STK11 protein (p.Gln100His). This variant is not present in population databases (gnomAD no frequency). This variant has not been reported in the literature in individuals affected with STK11-related conditions. ClinVar contains an entry for this variant (Variation ID: 565978). Invitae Evidence Modeling of protein sequence and biophysical properties (such as structural, functional, and spatial information, amino acid conservation, physicochemical variation, residue mobility, and thermodynamic stability) indicates that this missense variant is not expected to disrupt STK11 protein function with a negative predictive value of 95%. In summary, the available evidence is currently insufficient to determine the role of this variant in disease. Therefore, it has been classified as a Variant of Uncertain Significance.

Ambry Genetics
Classification: Uncertain significance for Hereditary cancer-predisposing syndrome. Last evaluated: 2023-11-30. Review status: criteria provided, single submitter. Criteria: Ambry Variant Classification Scheme 2023. Collection method: clinical testing. Allele origin: germline.
Comment: The p.Q100H variant (also known as c.300A>C), located in coding exon 2 of the STK11 gene, results from an A to C substitution at nucleotide position 300. The glutamine at codon 100 is replaced by histidine, an amino acid with highly similar properties. This amino acid position is highly conserved in available vertebrate species. In addition, the in silico prediction for this alteration is inconclusive. Since supporting evidence is limited at this time, the clinical significance of this alteration remains unclear.